The following is an entry in ClinVar:

NM_012281.3(KCND2):c.229C>T (p.His77Tyr)

Gene: KCND2 (potassium voltage-gated channel subfamily D member 2; plus strand). Cytogenetic location: 7q31.31.
Variant type: single nucleotide variant.
Coding change: c.229C>T on transcript NM_012281.3 (MANE Select); coding-DNA position 229, C replaced by T.
Protein change: p.His77Tyr; replaces histidine 77 with tyrosine.
Molecular consequence: missense variant.
Genome position (GRCh38, 1-based): chr7:120,274,861, C>T. VCF-style: chr7-120274861-C-T. GRCh37 (hg19) VCF-style: chr7-119914915-C-T.
Other names: short protein forms H77Y.
Identifiers: ClinVar variation 2092141 (VCV002092141.4), dbSNP rs2546906942, ClinGen allele CA369131120.

ClinVar aggregate classification (germline): Uncertain significance (1 of 4 stars; one submission).

Conditions:
Early Myoclonic Encephalopathy. Identifiers: MedGen C0270855.

Submission:

Labcorp Genetics (formerly Invitae), Labcorp
Classification: Uncertain significance for Early Myoclonic Encephalopathy. Last evaluated: 2024-05-06. Review status: criteria provided, single submitter. Criteria: Invitae Variant Classification Sherloc (09022015). Collection method: clinical testing. Allele origin: germline.
Comment: This sequence change replaces histidine, which is basic and polar, with tyrosine, which is neutral and polar, at codon 77 of the KCND2 protein (p.His77Tyr). This variant is not present in population databases (gnomAD no frequency). This variant has not been reported in the literature in individuals affected with KCND2-related conditions. ClinVar contains an entry for this variant (Variation ID: 2092141). Advanced modeling of protein sequence and biophysical properties (such as structural, functional, and spatial information, amino acid conservation, physicochemical variation, residue mobility, and thermodynamic stability) performed at Invitae indicates that this missense variant is not expected to disrupt KCND2 protein function with a negative predictive value of 80%. In summary, the available evidence is currently insufficient to determine the role of this variant in disease. Therefore, it has been classified as a Variant of Uncertain Significance.